The following is an entry in ClinVar:

ClinVar aggregate classification (germline): Conflicting classifications of pathogenicity. Review status: criteria provided, conflicting classifications (1 of 4 stars). 2 submissions from 2 submitters: Uncertain significance (1); Likely benign (1). Last evaluated 2026-05-29.

Conditions:
GBF1-related disorder. Also called: GBF1-related condition.

Allele frequency attached by ClinVar (database versions not stated): ESP Exome Variant Server 0.00023; ExAC 0.00004.
gnomAD v4.1: 149 of 1,613,810 alleles (0.0092%); highest among the groups gnomAD compares: Non-Finnish European, 0.012%; no homozygotes.

Submissions (2):

PreventionGenetics, part of Exact Sciences
Classification: Likely benign for GBF1-related condition. Last evaluated: 2026-05-29. Review status: criteria provided, single submitter. Criteria: ACMG Guidelines, 2015. Collection method: clinical testing. Allele origin: germline.
Comment: This variant is classified as likely benign based on ACMG/AMP sequence variant interpretation guidelines (Richards et al. 2015 PMID: 25741868, with internal and published modifications).

Ambry Genetics
Classification: Uncertain significance. Last evaluated: 2024-08-05. Review status: criteria provided, single submitter. Criteria: Ambry Variant Classification Scheme 2023. Collection method: clinical testing. Allele origin: germline.

NM_001377137.1(GBF1):c.5509G>A (p.Glu1837Lys)

Gene: GBF1 (golgi brefeldin A resistant guanine nucleotide exchange factor 1; plus strand). Cytogenetic location: 10q24.32.
Variant type: single nucleotide variant.
Coding change: c.5509G>A on transcript NM_001377137.1 (MANE Select); coding-DNA position 5509, G replaced by A.
Protein change: p.Glu1837Lys; replaces glutamic acid 1837 with lysine.
Molecular consequence: missense variant. On other transcripts: non-coding transcript variant (5).
Genome position (GRCh38, 1-based): chr10:102,382,262, G>A. VCF-style: chr10-102382262-G-A. GRCh37 (hg19) VCF-style: chr10-104142019-G-A.
Other names: c.5497G>A, p.Glu1833Lys (NM_001199378.2, NM_001391923.1); c.5494G>A, p.Glu1832Lys (NM_001199379.2, NM_001391924.1); c.5458G>A, p.Glu1820Lys (NM_001377138.1); c.5212G>A, p.Glu1738Lys (NM_001377139.1, NM_001391930.1); c.5200G>A, p.Glu1734Lys (NM_001377140.1); c.5506G>A, p.Glu1836Lys (NM_001377141.1, NM_004193.3); c.5593G>A, p.Glu1865Lys (NM_001391922.1); c.5470G>A, p.Glu1824Lys (NM_001391925.1); and 7 more; short protein forms E1821K, E1861K, E1820K, E1824K, E1869K, E1734K, E1753K, E1789K.
Identifiers: ClinVar variation 2385404 (VCV002385404.4), dbSNP rs377647711, ClinGen allele CA5664361.